The following is an entry in ClinVar:

ClinVar aggregate classification (germline): Uncertain significance (1 of 4 stars; one submission).

Allele frequency attached by ClinVar (database versions not stated): gnomAD exomes below 0.00001.
gnomAD v4.1: 3 of 1,613,358 alleles (0.00019%); highest among the groups gnomAD compares: Non-Finnish European, 0.00025%; no homozygotes.

Submission:

Labcorp Genetics (formerly Invitae), Labcorp
Classification: Uncertain significance. Last evaluated: 2022-08-01. Review status: criteria provided, single submitter. Criteria: Invitae Variant Classification Sherloc (09022015). Collection method: clinical testing. Allele origin: germline.
Comment: In summary, the available evidence is currently insufficient to determine the role of this variant in disease. Therefore, it has been classified as a Variant of Uncertain Significance. Algorithms developed to predict the effect of missense changes on protein structure and function are either unavailable or do not agree on the potential impact of this missense change (SIFT: "Deleterious"; PolyPhen-2: "Probably Damaging"; Align-GVGD: "Class C0"). This sequence change replaces valine, which is neutral and non-polar, with methionine, which is neutral and non-polar, at codon 551 of the C3 protein (p.Val551Met). This variant is not present in population databases (gnomAD no frequency). This variant has not been reported in the literature in individuals affected with C3-related conditions.

NM_000064.4(C3):c.1651G>A (p.Val551Met)

Gene: C3 (complement C3; minus strand). Cytogenetic location: 19p13.3.
Variant type: single nucleotide variant.
Coding change: c.1651G>A on transcript NM_000064.4 (MANE Select); coding-DNA position 1651, G replaced by A.
Protein change: p.Val551Met; replaces valine 551 with methionine.
Molecular consequence: missense variant.
Genome position (GRCh38, 1-based): chr19:6,710,674, C>T on the plus strand (G>A on the coding strand, the complement: C3 is on the minus strand). VCF-style: chr19-6710674-C-T. GRCh37 (hg19) VCF-style: chr19-6710685-C-T.
Other names: short protein forms V551M.
Identifiers: ClinVar variation 1902659 (VCV001902659.5), dbSNP rs2512262037, ClinGen allele CA403640283.